The following is an entry in ClinVar:

ClinVar aggregate classification (germline): Uncertain significance. Review status: criteria provided, single submitter (1 of 4 stars). 3 submissions from 3 submitters: Uncertain significance (1). 2 of the submissions do not count toward it. Last evaluated 2025-03-25.

Conditions:
Familial thoracic aortic aneurysm and aortic dissection (TAAD). Also called: Thoracic aortic aneurysms and dissections. Identifiers: Orphanet 91387, MedGen C4707243, MONDO:0019625.

Allele frequency attached by ClinVar (database versions not stated): gnomAD exomes below 0.00001 and 0.00001; TOPMed below 0.00001; gnomAD 0.00001.

Submissions (3):

Ambry Genetics
Classification: Uncertain significance for Familial thoracic aortic aneurysm and aortic dissection. Last evaluated: 2025-03-25. Review status: criteria provided, single submitter. Criteria: Ambry Variant Classification Scheme 2023. Collection method: clinical testing. Allele origin: germline.
Comment: The p.N698S variant (also known as c.2093A>G), located in coding exon 13 of the NOTCH1 gene, results from an A to G substitution at nucleotide position 2093. The asparagine at codon 698 is replaced by serine, an amino acid with highly similar properties. This amino acid position is conserved. In addition, this alteration is predicted to be tolerated by in silico analysis. Since supporting evidence is limited at this time, the clinical significance of this alteration remains unclear.

Clinical Genetics DNA and cytogenetics Diagnostics Lab, Erasmus MC, Erasmus Medical Center
Classification: Uncertain significance. Review status: no assertion criteria provided. Collection method: clinical testing. Allele origin: germline. Affected: yes. Study: VKGL Data-share Consensus. Not counted in ClinVar's aggregate classification.

Joint Genome Diagnostic Labs from Nijmegen and Maastricht, Radboudumc and MUMC+
Classification: Uncertain significance. Review status: no assertion criteria provided. Collection method: clinical testing. Allele origin: germline. Affected: yes. Study: VKGL Data-share Consensus. Not counted in ClinVar's aggregate classification.

NM_017617.5(NOTCH1):c.2093A>G (p.Asn698Ser)

Gene: NOTCH1 (notch receptor 1; minus strand). Cytogenetic location: 9q34.3.
Variant type: single nucleotide variant.
Coding change: c.2093A>G on transcript NM_017617.5 (MANE Select); coding-DNA position 2093, A replaced by G.
Protein change: p.Asn698Ser; replaces asparagine 698 with serine.
Molecular consequence: missense variant.
Genome position (GRCh38, 1-based): chr9:136,514,624, T>C on the plus strand (A>G on the coding strand, the complement: NOTCH1 is on the minus strand). VCF-style: chr9-136514624-T-C. GRCh37 (hg19) VCF-style: chr9-139409076-T-C.
Other names: short protein forms N698S.
Identifiers: ClinVar variation 1297480 (VCV001297480.6), dbSNP rs1338004985, ClinGen allele CA375558752.